The following is an entry in ClinVar:

ClinVar aggregate classification (germline): Uncertain significance (1 of 4 stars; one submission).

Conditions:
Cardiovascular phenotype. Identifiers: MedGen CN230736.

Submission:

Ambry Genetics
Classification: Uncertain significance for Cardiovascular phenotype. Last evaluated: 2023-05-15. Review status: criteria provided, single submitter. Criteria: Ambry Variant Classification Scheme 2023. Collection method: clinical testing. Allele origin: germline.
Comment: The p.Q1195E variant (also known as c.3583C>G), located in coding exon 2 of the ZNF469 gene, results from a C to G substitution at nucleotide position 3583. The glutamine at codon 1195 is replaced by glutamic acid, an amino acid with highly similar properties. This amino acid position is conserved. In addition, this alteration is predicted to be tolerated by in silico analysis. Since supporting evidence is limited at this time, the clinical significance of this alteration remains unclear.

NM_001367624.2(ZNF469):c.3667C>G (p.Gln1223Glu)

Gene: ZNF469 (zinc finger protein 469; plus strand). Cytogenetic location: 16q24.2.
Variant type: single nucleotide variant.
Coding change: c.3667C>G on transcript NM_001367624.2 (MANE Select); coding-DNA position 3667, C replaced by G.
Protein change: p.Gln1223Glu; replaces glutamine 1223 with glutamic acid.
Molecular consequence: missense variant.
Genome position (GRCh38, 1-based): chr16:88,431,137, C>G. VCF-style: chr16-88431137-C-G. GRCh37 (hg19) VCF-style: chr16-88497545-C-G.
Other names: NM_001127464.1:c.3583C>G; short protein forms Q1223E.
Identifiers: ClinVar variation 2564252 (VCV002564252.2), dbSNP rs2507584418, ClinGen allele CA397086044.